The following is an entry in ClinVar:

NM_001291303.3(FAT4):c.8252G>T (p.Gly2751Val)

Gene: FAT4 (FAT atypical cadherin 4; plus strand). Cytogenetic location: 4q28.1.
Variant type: single nucleotide variant.
Coding change: c.8252G>T on transcript NM_001291303.3 (MANE Select); coding-DNA position 8252, G replaced by T.
Protein change: p.Gly2751Val; replaces glycine 2751 with valine.
Molecular consequence: missense variant.
Genome position (GRCh38, 1-based): chr4:125,449,262, G>T. VCF-style: chr4-125449262-G-T. GRCh37 (hg19) VCF-style: chr4-126370417-G-T.
Other names: c.8252G>T, p.Gly2751Val (NM_001291285.3); c.8246G>T, p.Gly2749Val (NM_024582.6); short protein forms G2751V, G2749V.
Identifiers: ClinVar variation 1397819 (VCV001397819.9), dbSNP rs767230275, ClinGen allele CA3073333.

ClinVar aggregate classification (germline): Conflicting classifications of pathogenicity. Review status: criteria provided, conflicting classifications (1 of 4 stars). 2 submissions from 2 submitters: Uncertain significance (1); Likely benign (1). Last evaluated 2024-08-28.

Conditions:
Intellectual disability. Also called: Intellectual functioning disability; Intellectual developmental disorder; intellectual disabilities. Identifiers: MedGen C3714756, MeSH D008607, MONDO:0001071, HP:0001249.

Allele frequency attached by ClinVar (database versions not stated): ExAC 0.00001; gnomAD 0.00001; TOPMed 0.00001.
gnomAD v4.1: 33 of 1,613,700 alleles (0.002%); highest among the groups gnomAD compares: Non-Finnish European, 0.0024%; no homozygotes.

Submissions (2):

Labcorp Genetics (formerly Invitae), Labcorp
Classification: Uncertain significance. Last evaluated: 2024-08-28. Review status: criteria provided, single submitter. Criteria: Invitae Variant Classification Sherloc (09022015). Collection method: clinical testing. Allele origin: germline.
Comment: This sequence change replaces glycine, which is neutral and non-polar, with valine, which is neutral and non-polar, at codon 2749 of the FAT4 protein (p.Gly2749Val). This variant is present in population databases (rs767230275, gnomAD 0.0009%). This variant has not been reported in the literature in individuals affected with FAT4-related conditions. ClinVar contains an entry for this variant (Variation ID: 1397819). Invitae Evidence Modeling of protein sequence and biophysical properties (such as structural, functional, and spatial information, amino acid conservation, physicochemical variation, residue mobility, and thermodynamic stability) indicates that this missense variant is not expected to disrupt FAT4 protein function with a negative predictive value of 80%. In summary, the available evidence is currently insufficient to determine the role of this variant in disease. Therefore, it has been classified as a Variant of Uncertain Significance.

Cambridge Genomics Laboratory, East Genomic Laboratory Hub, NHS Genomic Medicine Service
Classification: Likely benign for Intellectual disability. Last evaluated: 2019-09-11. Review status: criteria provided, single submitter. Criteria: ACGS Best Practice Guidelines for Variant Classification in Rare Disease 2020. Collection method: clinical testing. Allele origin: germline. Affected: yes. Observed: 1 variant allele.